The following is an entry in ClinVar:

ClinVar aggregate classification (germline): Pathogenic (1 of 4 stars; one submission).

Allele frequency attached by ClinVar (database versions not stated): gnomAD exomes below 0.00001; TOPMed below 0.00001.
gnomAD v4.1: 1 of 1,612,778 alleles (0.000062%); highest among the groups gnomAD compares: Non-Finnish European, 0.000085%; no homozygotes.

Submission:

Labcorp Genetics (formerly Invitae), Labcorp
Classification: Pathogenic. Last evaluated: 2019-06-25. Review status: criteria provided, single submitter. Criteria: Invitae Variant Classification Sherloc (09022015). Collection method: clinical testing. Allele origin: germline.
Comment: This sequence change affects a donor splice site in intron 4 of the PYCR2 gene. It is expected to disrupt RNA splicing and likely results in an absent or disrupted protein product. For these reasons, this variant has been classified as Pathogenic. Donor and acceptor splice site variants typically lead to a loss of protein function (PMID: 16199547), and loss-of-function variants in PYCR2 are known to be pathogenic (PMID: 25865492, 27860360). This variant has been observed in individual(s) with clinical features of hypomyelinating leukodystrophy (Invitae). In at least one individual the data is consistent with the variant being in trans (on the opposite chromosome) from a pathogenic variant. This variant is not present in population databases (ExAC no frequency).

Literature cited by the submitters: PubMed 16199547; PubMed 25865492; PubMed 27860360.

NM_013328.4(PYCR2):c.540+2T>G

Gene: PYCR2 (pyrroline-5-carboxylate reductase 2; minus strand). Cytogenetic location: 1q42.12.
Variant type: single nucleotide variant.
Coding change: c.540+2T>G on transcript NM_013328.4 (MANE Select); the canonical splice donor site of the intron after coding-DNA position 540, T replaced by G.
Molecular consequence: splice donor variant. On other transcripts: intron variant (1).
Genome position (GRCh38, 1-based): chr1:225,921,856, A>C on the plus strand (T>G on the coding strand, the complement: PYCR2 is on the minus strand). VCF-style: chr1-225921856-A-C. GRCh37 (hg19) VCF-style: chr1-226109556-A-C.
Other names: c.319-212T>G (NM_001271681.2).
Identifiers: ClinVar variation 951746 (VCV000951746.10), dbSNP rs1179891604, ClinGen allele CA345005595.
Genomic context (GRCh38, chr1:225,921,856, plus strand): 5'-CCTGCCAGCCCATCTTGCTGCCTGGGTTCCTAGAAGGCTGAGCGAGCAAATGAGGGCCTC[A>C]CATAGGCAGGCCCGCTGCCACTGAGCCCCGTGACGGCATCGATGAGGTCCTCTTCCACCT-3'